The following is an entry in ClinVar:

ClinVar aggregate classification (germline): Uncertain significance (1 of 4 stars; one submission).

Conditions:
Myoclonic dystonia 11 (DYT11). Also called: Myoclonic dystonia; DYT-SGCE; Dystonia 11; Dystonia, alcohol responsive; Hereditary essential myoclonus; SGCE Myoclonus-Dystonia. Identifiers: Orphanet 36899, MedGen C1834570, MONDO:0008044, OMIM 159900.

Allele frequency attached by ClinVar (database versions not stated): ExAC 0.00001; gnomAD 0.00001; TOPMed 0.00001.
gnomAD v4.1: 8 of 1,609,560 alleles (0.0005%); highest among the groups gnomAD compares: Non-Finnish European, 0.00068%; no homozygotes.

Submission:

Labcorp Genetics (formerly Invitae), Labcorp
Classification: Uncertain significance for Myoclonic dystonia 11. Last evaluated: 2024-05-22. Review status: criteria provided, single submitter. Criteria: Invitae Variant Classification Sherloc (09022015). Collection method: clinical testing. Allele origin: germline.
Comment: This sequence change falls in intron 8 of the SGCE gene. It does not directly change the encoded amino acid sequence of the SGCE protein. It affects a nucleotide within the consensus splice site. This variant is present in population databases (rs767951166, gnomAD 0.002%). This variant has not been reported in the literature in individuals affected with SGCE-related conditions. ClinVar contains an entry for this variant (Variation ID: 851031). Variants that disrupt the consensus splice site are a relatively common cause of aberrant splicing (PMID: 17576681, 9536098). Algorithms developed to predict the effect of sequence changes on RNA splicing suggest that this variant may disrupt the consensus splice site. In summary, the available evidence is currently insufficient to determine the role of this variant in disease. Therefore, it has been classified as a Variant of Uncertain Significance.

Literature cited by the submitters: PubMed 17576681; PubMed 9536098.

NM_003919.3(SGCE):c.1064+5G>C

Genes: CASD1 (CAS1 domain sialic acid O acetyltransferase 1; plus strand), SGCE (sarcoglycan epsilon; minus strand). Cytogenetic location: 7q21.3.
Variant type: single nucleotide variant.
Coding change: c.1064+5G>C on transcript NM_003919.3 (MANE Select); 5 bases into the intron after coding-DNA position 1064, G replaced by C.
Molecular consequence: intron variant.
Genome position (GRCh38, 1-based): chr7:94,599,692, C>G on the plus strand (G>C on the coding strand, the complement: SGCE is on the minus strand). VCF-style: chr7-94599692-C-G. GRCh37 (hg19) VCF-style: chr7-94229004-C-G.
Other names: c.915-729G>C (NM_001362809.2); c.941+5G>C (NM_001301139.2); c.1038-729G>C (NM_001346717.2, NM_001099400.2); c.1064+5G>C (NM_001099401.2); c.1146-729G>C (NM_001346715.2); c.1172+5G>C (NM_001346713.2); c.951-729G>C (NM_001362807.2); c.765-729G>C (NM_001362808.2); and 2 more.
Identifiers: ClinVar variation 851031 (VCV000851031.7), dbSNP rs767951166, ClinGen allele CA4348648.
Genomic context (GRCh38, chr7:94,599,692, plus strand): 5'-GCATGATGGGCAACTGAGAGGTGGGAAAAAATGATGAAGAAAATAACAGGAAAGAAGACA[C>G]TTACTCTGGTGTTTGCATGTTTCTCTTTTCCCTAGAAACAAAACAAAATTTATGAATTAA-3'